The following is an entry in ClinVar:

ClinVar aggregate classification (germline): Uncertain significance (1 of 4 stars; one submission).

Conditions:
ALG8 congenital disorder of glycosylation. Also called: ALG8-CDG; CONGENITAL DISORDER OF GLYCOSYLATION, TYPE Ih; CDG Ih. Identifiers: Orphanet 79325, MedGen C2931002, MONDO:0011969, OMIM 608104.

Allele frequency attached by ClinVar (database versions not stated): gnomAD exomes below 0.00001.
gnomAD v4.1: 1 of 1,613,746 alleles (0.000062%); highest among the groups gnomAD compares: Non-Finnish European, 0.000085%; no homozygotes.

Submission:

Labcorp Genetics (formerly Invitae), Labcorp
Classification: Uncertain significance for ALG8 congenital disorder of glycosylation. Last evaluated: 2023-08-07. Review status: criteria provided, single submitter. Criteria: Invitae Variant Classification Sherloc (09022015). Collection method: clinical testing. Allele origin: germline.
Comment: In summary, the available evidence is currently insufficient to determine the role of this variant in disease. Therefore, it has been classified as a Variant of Uncertain Significance. This sequence change replaces valine, which is neutral and non-polar, with isoleucine, which is neutral and non-polar, at codon 265 of the ALG8 protein (p.Val265Ile). This variant is not present in population databases (gnomAD no frequency). This variant has not been reported in the literature in individuals affected with ALG8-related conditions. Advanced modeling of protein sequence and biophysical properties (such as structural, functional, and spatial information, amino acid conservation, physicochemical variation, residue mobility, and thermodynamic stability) performed at Invitae indicates that this missense variant is not expected to disrupt ALG8 protein function.

NM_024079.5(ALG8):c.793G>A (p.Val265Ile)

Gene: ALG8 (ALG8 alpha-1,3-glucosyltransferase; minus strand). Cytogenetic location: 11q14.1.
Variant type: single nucleotide variant.
Coding change: c.793G>A on transcript NM_024079.5 (MANE Select); coding-DNA position 793, G replaced by A.
Protein change: p.Val265Ile; replaces valine 265 with isoleucine.
Molecular consequence: missense variant.
Genome position (GRCh38, 1-based): chr11:78,112,755, C>T on the plus strand (G>A on the coding strand, the complement: ALG8 is on the minus strand). VCF-style: chr11-78112755-C-T. GRCh37 (hg19) VCF-style: chr11-77823801-C-T.
Other names: c.796G>A, p.Val266Ile (NM_001425219.1); c.778G>A, p.Val260Ile (NM_001425220.1); c.793G>A, p.Val265Ile (NM_001425221.1, NM_001425222.1, NM_001425225.1 and 8 more transcripts); c.787G>A, p.Val263Ile (NM_001425223.1); c.886G>A, p.Val296Ile (NM_001425224.1); c.640G>A, p.Val214Ile (NM_001425226.1, NM_001425235.1, NM_001425236.1); c.592G>A, p.Val198Ile (NM_001425231.1); c.529G>A, p.Val177Ile (NM_001425234.1, NM_001425239.1); and 3 more; short protein forms V266I, V80I, V93I, V198I, V214I, V265I, S230N, V177I.
Identifiers: ClinVar variation 2750547 (VCV002750547.3), dbSNP rs2497002904, ClinGen allele CA382116312.